The following is an entry in ClinVar:

ClinVar aggregate classification (germline): Conflicting classifications of pathogenicity. Review status: criteria provided, conflicting classifications (1 of 4 stars). 2 submissions from 2 submitters: Uncertain significance (1); Likely benign (1). Last evaluated 2026-09-16.

Conditions:
SEMA3G-related disorder. Also called: SEMA3G-related condition.

Allele frequency attached by ClinVar (database versions not stated): gnomAD exomes 0.00002; TOPMed 0.00004; gnomAD 0.00005; ExAC 0.00007; ESP Exome Variant Server 0.00008.
gnomAD v4.1: 41 of 1,610,328 alleles (0.0025%); highest among the groups gnomAD compares: South Asian, 0.022%; 1 homozygote.

Submissions (2):

PreventionGenetics, part of Exact Sciences
Classification: Uncertain significance for SEMA3G-related condition. Last evaluated: 2026-09-16. Review status: criteria provided, single submitter. Criteria: ACMG Guidelines, 2015. Collection method: clinical testing. Allele origin: germline.
Comment: The SEMA3G c.1079G>A variant is predicted to result in the amino acid substitution p.Arg360Gln. To our knowledge, this variant has not been reported in the literature. This variant is reported in 0.030% of alleles in individuals of South Asian descent in gnomAD. At this time, the clinical significance of this variant is uncertain due to the absence of conclusive functional and genetic evidence.

Ambry Genetics
Classification: Likely benign. Last evaluated: 2023-03-06. Review status: criteria provided, single submitter. Criteria: Ambry Variant Classification Scheme 2023. Collection method: clinical testing. Allele origin: germline.

NM_020163.3(SEMA3G):c.1079G>A (p.Arg360Gln)

Gene: SEMA3G (semaphorin 3G; minus strand). Cytogenetic location: 3p21.1.
Variant type: single nucleotide variant.
Coding change: c.1079G>A on transcript NM_020163.3 (MANE Select); coding-DNA position 1079, G replaced by A.
Protein change: p.Arg360Gln; replaces arginine 360 with glutamine.
Molecular consequence: missense variant.
Genome position (GRCh38, 1-based): chr3:52,440,441, C>T on the plus strand (G>A on the coding strand, the complement: SEMA3G is on the minus strand). VCF-style: chr3-52440441-C-T. GRCh37 (hg19) VCF-style: chr3-52474457-C-T.
Other names: c.1079G>A (NM_020163.2); short protein forms R360Q.
Identifiers: ClinVar variation 3159738 (VCV003159738.3), dbSNP rs375538756, ClinGen allele CA2438066.